The following is an entry in ClinVar:

ClinVar aggregate classification (germline): Uncertain significance (1 of 4 stars; one submission).

Allele frequency attached by ClinVar (database versions not stated): TOPMed below 0.00001; gnomAD exomes 0.00001 and 0.00002; ExAC 0.00002.
gnomAD v4.1: 4 of 1,613,042 alleles (0.00025%); highest among the groups gnomAD compares: Admixed American, 0.0067%; no homozygotes.

Submission:

Labcorp Genetics (formerly Invitae), Labcorp
Classification: Uncertain significance. Last evaluated: 2023-07-10. Review status: criteria provided, single submitter. Criteria: Invitae Variant Classification Sherloc (09022015). Collection method: clinical testing. Allele origin: germline.
Comment: This sequence change replaces arginine with lysine at codon 380 of the ADSSL1 protein (p.Arg380Lys). There is a small physicochemical difference between arginine and lysine. In summary, the available evidence is currently insufficient to determine the role of this variant in disease. Therefore, it has been classified as a Variant of Uncertain Significance. An algorithm developed to predict the effect of missense changes on protein structure and function (PolyPhen-2) suggests that this variant is likely to be disruptive. ClinVar contains an entry for this variant (Variation ID: 1681994). This variant has not been reported in the literature in individuals affected with ADSSL1-related conditions. This variant is present in population databases (rs763624509, gnomAD 0.01%).

NM_152328.5(ADSS1):c.1010G>A (p.Arg337Lys)

Gene: ADSS1 (adenylosuccinate synthase 1; plus strand). Cytogenetic location: 14q32.33.
Variant type: single nucleotide variant.
Coding change: c.1010G>A on transcript NM_152328.5 (MANE Select); coding-DNA position 1010, G replaced by A.
Protein change: p.Arg337Lys; replaces arginine 337 with lysine.
Molecular consequence: missense variant.
Genome position (GRCh38, 1-based): chr14:104,743,128, G>A. VCF-style: chr14-104743128-G-A. GRCh37 (hg19) VCF-style: chr14-105209465-G-A.
Other names: c.395G>A, p.Arg132Lys (NM_001320424.1); c.1139G>A, p.Arg380Lys (NM_199165.2); short protein forms R132K, R337K, R380K.
Identifiers: ClinVar variation 1681994 (VCV001681994.6), dbSNP rs763624509, ClinGen allele CA7373975.